The following is an entry in ClinVar:

NM_153240.5(NPHP3):c.3841G>A (p.Ala1281Thr)

Genes: NPHP3 (nephrocystin 3; minus strand), NPHP3-ACAD11 (NPHP3-ACAD11 readthrough (NMD candidate); minus strand). Cytogenetic location: 3q22.1.
Variant type: single nucleotide variant.
Coding change: c.3841G>A on transcript NM_153240.5 (MANE Select); coding-DNA position 3841, G replaced by A.
Protein change: p.Ala1281Thr; replaces alanine 1281 with threonine.
Molecular consequence: missense variant. On other transcripts: non-coding transcript variant (1).
Genome position (GRCh38, 1-based): chr3:132,682,062, C>T on the plus strand (G>A on the coding strand, the complement: NPHP3 is on the minus strand). VCF-style: chr3-132682062-C-T. GRCh37 (hg19) VCF-style: chr3-132400906-C-T.
Other names: short protein forms A1281T.
Identifiers: ClinVar variation 1400739 (VCV001400739.8), dbSNP rs1939044718, ClinGen allele CA354578094.
Genomic context (GRCh38, chr3:132,682,062, plus strand): 5'-TTCCACCCAAGAGTGATGTTTCTGCTTCTTTTATTTCCATTGCCCTTTTGTATAATTCAG[C>T]AGCTTTTTCAAAATCTCCTCCTTCATAGCTTTGAGAGAGAAAACAAAAACTCTTAAAATG-3'
Protein context (NP_694972.3, residues 1271-1291): SYEGGDFEKA[Ala1281Thr]ELYKRAMEIK

ClinVar aggregate classification (germline): Uncertain significance (1 of 4 stars; one submission).

Conditions:
Nephronophthisis. Also called: Juvenile Nephronophthisis. Identifiers: Orphanet 655, MedGen C0687120, MONDO:0019005, HP:0000090.

Allele frequency attached by ClinVar (database versions not stated): gnomAD exomes below 0.00001.
gnomAD v4.1: 1 of 1,614,038 alleles (0.000062%); highest among the groups gnomAD compares: Non-Finnish European, 0.000085%; no homozygotes.

Submission:

Labcorp Genetics (formerly Invitae), Labcorp
Classification: Uncertain significance for Nephronophthisis. Last evaluated: 2021-06-13. Review status: criteria provided, single submitter. Criteria: Invitae Variant Classification Sherloc (09022015). Collection method: clinical testing. Allele origin: germline.
Comment: In summary, the available evidence is currently insufficient to determine the role of this variant in disease. Therefore, it has been classified as a Variant of Uncertain Significance. Algorithms developed to predict the effect of missense changes on protein structure and function are either unavailable or do not agree on the potential impact of this missense change (SIFT: "Deleterious"; PolyPhen-2: "Probably Damaging"; Align-GVGD: "Class C0"). This variant has not been reported in the literature in individuals with NPHP3-related conditions. This variant is not present in population databases (ExAC no frequency). This sequence change replaces alanine with threonine at codon 1281 of the NPHP3 protein (p.Ala1281Thr). The alanine residue is highly conserved and there is a small physicochemical difference between alanine and threonine.